The following is an entry in ClinVar:

NM_006379.5(SEMA3C):c.1068A>G (p.Lys356=)

Gene: SEMA3C (semaphorin 3C; minus strand). Cytogenetic location: 7q21.11.
Variant type: single nucleotide variant.
Coding change: c.1068A>G on transcript NM_006379.5 (MANE Select); coding-DNA position 1068, A replaced by G.
Protein change: p.Lys356=; no amino-acid change (lysine 356 retained).
Molecular consequence: synonymous variant.
Genome position (GRCh38, 1-based): chr7:80,798,155, T>C on the plus strand (A>G on the coding strand, the complement: SEMA3C is on the minus strand). VCF-style: chr7-80798155-T-C. GRCh37 (hg19) VCF-style: chr7-80427471-T-C.
Other names: c.1122A>G, p.Lys374= (NM_001350120.2); c.894A>G, p.Lys298= (NM_001350121.2).
Identifiers: ClinVar variation 4977997 (VCV004977997.1).
Genomic context (GRCh38, chr7:80,798,155, plus strand): 5'-TCCAGGGCGAGGATATGGAATTCTGCCCTGATAGGAAATCAGCTGATGATTGGGCCCTTC[T>C]TTGTGGGCAAAAGGCCCATTAAACACAGTCTGTATATCAGATAAATGATACACACACACG-3'
Protein context (NP_006370.1, residues 346-366): QTVFNGPFAH[Lys356=]EGPNHQLISY

ClinVar aggregate classification (germline): Likely benign (1 of 4 stars; one submission).

Conditions:
SEMA3C-related disorder. Also called: SEMA3C-related condition.

Submission:

PreventionGenetics, part of Exact Sciences
Classification: Likely benign for SEMA3C-related condition. Last evaluated: 2025-03-06. Review status: criteria provided, single submitter. Criteria: ACMG Guidelines, 2015. Collection method: clinical testing. Allele origin: germline.
Comment: This variant is classified as likely benign based on ACMG/AMP sequence variant interpretation guidelines (Richards et al. 2015 PMID: 25741868, with internal and published modifications).